The following is an entry in ClinVar:

ClinVar aggregate classification (germline): Likely benign. Review status: criteria provided, multiple submitters, no conflicts (2 of 4 stars). 3 submissions from 3 submitters: Likely benign (2). 1 of the submissions does not count toward it. Last evaluated 2024-12-01.

Conditions:
KMT2C-related disorder. Also called: KMT2C-related condition; KMT2C-related disorders.

Allele frequency attached by ClinVar (database versions not stated): ExAC 0.00002; gnomAD exomes 0.00003; TOPMed 0.00004; gnomAD 0.00005.
gnomAD v4.1: 50 of 1,613,928 alleles (0.0031%); highest among the groups gnomAD compares: Non-Finnish European, 0.0042%; no homozygotes.

Submissions (3):

CeGaT Center for Human Genetics Tuebingen
Classification: Likely benign. Last evaluated: 2024-12-01. Review status: criteria provided, single submitter. Criteria: CeGaT Center For Human Genetics Tuebingen Variant Classification Criteria Version 2. Collection method: clinical testing. Allele origin: germline. Affected: yes. Observed: 1 variant allele.
Comment: KMT2C: BP4, BP7

Labcorp Genetics (formerly Invitae), Labcorp
Classification: Likely benign. Last evaluated: 2024-06-10. Review status: criteria provided, single submitter. Criteria: Invitae Variant Classification Sherloc (09022015). Collection method: clinical testing. Allele origin: germline.

PreventionGenetics, part of Exact Sciences
Classification: Likely benign for KMT2C-related condition. Last evaluated: 2019-07-12. Review status: no assertion criteria provided. Collection method: clinical testing. Allele origin: germline. Not counted in ClinVar's aggregate classification.
Comment: This variant is classified as likely benign based on ACMG/AMP sequence variant interpretation guidelines (Richards et al. 2015 PMID: 25741868, with internal and published modifications).

NM_170606.3(KMT2C):c.6477C>T (p.Tyr2159=)

Gene: KMT2C (lysine methyltransferase 2C; minus strand). Cytogenetic location: 7q36.1.
Variant type: single nucleotide variant.
Coding change: c.6477C>T on transcript NM_170606.3 (MANE Select); coding-DNA position 6477, C replaced by T.
Protein change: p.Tyr2159=; no amino-acid change (tyrosine 2159 retained).
Molecular consequence: synonymous variant.
Genome position (GRCh38, 1-based): chr7:152,181,383, G>A on the plus strand (C>T on the coding strand, the complement: KMT2C is on the minus strand). VCF-style: chr7-152181383-G-A. GRCh37 (hg19) VCF-style: chr7-151878468-G-A.
Other names: c.6477C>T (NM_170606.2).
Identifiers: ClinVar variation 2713838 (VCV002713838.17), dbSNP rs761097508, ClinGen allele CA4580063.